The following is an entry in ClinVar:

NM_080424.4(SP110):c.1219G>C (p.Glu407Gln)

Gene: SP110 (SP110 nuclear body protein; minus strand). Cytogenetic location: 2q37.1.
Variant type: single nucleotide variant.
Coding change: c.1219G>C on transcript NM_080424.4 (MANE Select); coding-DNA position 1219, G replaced by C.
Protein change: p.Glu407Gln; replaces glutamic acid 407 with glutamine.
Molecular consequence: missense variant.
Genome position (GRCh38, 1-based): chr2:230,186,054, C>G on the plus strand (G>C on the coding strand, the complement: SP110 is on the minus strand). VCF-style: chr2-230186054-C-G. GRCh37 (hg19) VCF-style: chr2-231050770-C-G.
Other names: c.1237G>C, p.Glu413Gln (NM_001185015.2, NM_001378442.1, NM_001378444.1 and 2 more transcripts); c.1219G>C, p.Glu407Gln (NM_001378443.1, NM_004509.5, NM_004510.4); c.1069G>C, p.Glu357Gln (NM_001378447.1); short protein forms E357Q, E407Q, E413Q.
Identifiers: ClinVar variation 1026538 (VCV001026538.6), dbSNP rs201353625, ClinGen allele CA66741624.
Genomic context (GRCh38, chr2:230,186,054, plus strand): 5'-CTTTCAATCTGGACTTTCGGGCACATTTAGTTCTTGCCTTTTGGACCCTCATCATGACCT[C>G]TGAGTTCCAGGTTGAGTCGTCTTTCCTTTGAGTCACCTTATCCACCACTTGGAGCTTCTC-3'
Protein context (NP_536349.3, residues 397-417): QRKDDSTWNS[Glu407Gln]VMMRVQKART

ClinVar aggregate classification (germline): Uncertain significance (1 of 4 stars; one submission).

Conditions:
Hepatic veno-occlusive disease-immunodeficiency syndrome. Also called: Hepatic Veno-Occlusive Disease with Immunodeficiency. Identifiers: Orphanet 79124, MedGen C1856128, MONDO:0009338, OMIM 235550. Disease mechanism: loss of function.

Allele frequency attached by ClinVar (database versions not stated): gnomAD 0.00001; TOPMed 0.00001; gnomAD exomes 0.00002.
gnomAD v4.1: 28 of 1,613,978 alleles (0.0017%); highest among the groups gnomAD compares: Non-Finnish European, 0.0023%; no homozygotes.

Submission:

Labcorp Genetics (formerly Invitae), Labcorp
Classification: Uncertain significance for Hepatic veno-occlusive disease-immunodeficiency syndrome. Last evaluated: 2021-09-01. Review status: criteria provided, single submitter. Criteria: Invitae Variant Classification Sherloc (09022015). Collection method: clinical testing. Allele origin: germline.
Comment: This sequence change replaces glutamic acid with glutamine at codon 407 of the SP110 protein (p.Glu407Gln). The glutamic acid residue is weakly conserved and there is a small physicochemical difference between glutamic acid and glutamine. This variant is not present in population databases (ExAC no frequency). This variant has not been reported in the literature in individuals affected with SP110-related conditions. Algorithms developed to predict the effect of missense changes on protein structure and function (SIFT, PolyPhen-2, Align-GVGD) all suggest that this variant is likely to be tolerated. In summary, the available evidence is currently insufficient to determine the role of this variant in disease. Therefore, it has been classified as a Variant of Uncertain Significance.